The following is an entry in ClinVar:

ClinVar aggregate classification (germline): Uncertain significance (1 of 4 stars; one submission).

Allele frequency attached by ClinVar (database versions not stated): gnomAD exomes below 0.00001 and 0.00001; TOPMed 0.00001.

Submission:

Labcorp Genetics (formerly Invitae), Labcorp
Classification: Uncertain significance. Last evaluated: 2022-08-16. Review status: criteria provided, single submitter. Criteria: Invitae Variant Classification Sherloc (09022015). Collection method: clinical testing. Allele origin: germline.
Comment: This variant has not been reported in the literature in individuals affected with FN1-related conditions. This variant is present in population databases (no rsID available, gnomAD 0.01%). In summary, the available evidence is currently insufficient to determine the role of this variant in disease. Therefore, it has been classified as a Variant of Uncertain Significance. Algorithms developed to predict the effect of missense changes on protein structure and function are either unavailable or do not agree on the potential impact of this missense change (SIFT: "Not Available"; PolyPhen-2: "Possibly Damaging"; Align-GVGD: "Not Available"). ClinVar contains an entry for this variant (Variation ID: 1441639). This sequence change replaces valine with glutamic acid at codon 692 of the FN1 protein (p.Val692Glu). The valine residue is moderately conserved and there is a moderate physicochemical difference between valine and glutamic acid.

NM_212482.4(FN1):c.2075T>A (p.Val692Glu)

Gene: FN1 (fibronectin 1; minus strand). Cytogenetic location: 2q35.
Variant type: single nucleotide variant.
Coding change: c.2075T>A on transcript NM_212482.4 (MANE Select); coding-DNA position 2075, T replaced by A.
Protein change: p.Val692Glu; replaces valine 692 with glutamic acid.
Molecular consequence: missense variant.
Genome position (GRCh38, 1-based): chr2:215,409,981, A>T on the plus strand (T>A on the coding strand, the complement: FN1 is on the minus strand). VCF-style: chr2-215409981-A-T. GRCh37 (hg19) VCF-style: chr2-216274704-A-T.
Other names: c.2075T>A, p.Val692Glu (NM_001306129.2, NM_001306130.2, NM_001306131.2 and 13 more transcripts); short protein forms V692E.
Identifiers: ClinVar variation 1441639 (VCV001441639.7), dbSNP rs1418810723, ClinGen allele CA350491925.